The following is an entry in ClinVar:

ClinVar aggregate classification (germline): Pathogenic (1 of 4 stars; one submission).

Allele frequency attached by ClinVar (database versions not stated): ExAC 0.00001; gnomAD exomes 0.00001.
gnomAD v4.1: 9 of 1,612,338 alleles (0.00056%); highest among the groups gnomAD compares: Admixed American, 0.0017%; no homozygotes.

Submission:

Labcorp Genetics (formerly Invitae), Labcorp
Classification: Pathogenic. Last evaluated: 2023-10-09. Review status: criteria provided, single submitter. Criteria: Invitae Variant Classification Sherloc (09022015). Collection method: clinical testing. Allele origin: germline.
Comment: This sequence change creates a premature translational stop signal (p.Trp194*) in the ERCC8 gene. It is expected to result in an absent or disrupted protein product. Loss-of-function variants in ERCC8 are known to be pathogenic (PMID: 29572252). This variant is present in population databases (rs765986851, gnomAD 0.009%). This variant has not been reported in the literature in individuals affected with ERCC8-related conditions. ClinVar contains an entry for this variant (Variation ID: 1075749). Algorithms developed to predict the effect of sequence changes on RNA splicing suggest that this variant may disrupt the consensus splice site. For these reasons, this variant has been classified as Pathogenic.

Literature cited by the submitters: PubMed 29572252.

NM_000082.4(ERCC8):c.581G>A (p.Trp194Ter)

Gene: ERCC8 (ERCC excision repair 8, CSA ubiquitin ligase complex subunit; minus strand). Cytogenetic location: 5q12.1.
Variant type: single nucleotide variant.
Coding change: c.581G>A on transcript NM_000082.4 (MANE Select); coding-DNA position 581, G replaced by A.
Protein change: p.Trp194Ter; replaces tryptophan 194 with a stop codon.
Molecular consequence: nonsense.
Genome position (GRCh38, 1-based): chr5:60,902,478, C>T on the plus strand (G>A on the coding strand, the complement: ERCC8 is on the minus strand). VCF-style: chr5-60902478-C-T. GRCh37 (hg19) VCF-style: chr5-60198305-C-T.
Other names: c.407G>A, p.Trp136Ter (NM_001007233.3); c.122G>A, p.Trp41Ter (NM_001290285.2); short protein forms W136*, W194*, W41*.
Identifiers: ClinVar variation 1075749 (VCV001075749.7), dbSNP rs765986851, ClinGen allele CA3277787.